The following is an entry in ClinVar:

ClinVar aggregate classification (germline): Likely benign (1 of 4 stars; one submission).

Allele frequency attached by ClinVar (database versions not stated): gnomAD 0.00001; TOPMed 0.00001 and 0.00002; gnomAD exomes 0.00002.
gnomAD v4.1: 8 of 456,154 alleles (0.0018%); highest among the groups gnomAD compares: Non-Finnish European, 0.0026%; no homozygotes.

Submission:

GeneDx
Classification: Likely benign. Last evaluated: 2016-07-15. Review status: criteria provided, single submitter. Criteria: GeneDx Variant Classification (06012015). Collection method: clinical testing. Allele origin: germline. Affected: yes.
Comment: This variant is considered likely benign or benign based on one or more of the following criteria: it is a conservative change, it occurs at a poorly conserved position in the protein, it is predicted to be benign by multiple in silico algorithms, and/or has population frequency not consistent with disease.

NM_001276345.2(TNNT2):c.-40G>T

Gene: TNNT2 (troponin T2, cardiac type; minus strand). Cytogenetic location: 1q32.1.
Variant type: single nucleotide variant.
Coding change: c.-40G>T on transcript NM_001276345.2 (MANE Select); 40 bases upstream of the start codon, G replaced by T.
Molecular consequence: 5 prime UTR variant.
Genome position (GRCh38, 1-based): chr1:201,377,648, C>A on the plus strand (G>T on the coding strand, the complement: TNNT2 is on the minus strand). VCF-style: chr1-201377648-C-A. GRCh37 (hg19) VCF-style: chr1-201346776-C-A.
Other names: c.-40G>T (NM_000364.4, NM_001001430.3, NM_001001431.3 and 2 more transcripts); c.-173G>T (NM_001276347.2).
Identifiers: ClinVar variation 387790 (VCV000387790.1), dbSNP rs921078883, ClinGen allele CA16603518.